The following is an entry in ClinVar:

ClinVar aggregate classification (germline): Likely benign. Review status: criteria provided, multiple submitters, no conflicts (2 of 4 stars). 2 submissions from 2 submitters: Likely benign (2). Last evaluated 2024-10-24.

Submissions (2):

Blueprint Genetics
Classification: Likely benign. Last evaluated: 2024-10-24. Review status: criteria provided, single submitter. Criteria: ACMG Guidelines, 2015. Collection method: clinical testing. Allele origin: germline.

CeGaT Center for Human Genetics Tuebingen
Classification: Likely benign. Last evaluated: 2024-09-01. Review status: criteria provided, single submitter. Criteria: CeGaT Center For Human Genetics Tuebingen Variant Classification Criteria Version 2. Collection method: clinical testing. Allele origin: germline. Affected: yes. Observed: 1 variant allele.
Comment: SMN2: BP4, BP7

NM_017411.4(SMN2):c.840T>C (p.Phe280=)

Gene: SMN2 (survival of motor neuron 2, centromeric). Cytogenetic location: 5q13.2.
Variant type: single nucleotide variant.
Coding change: c.840T>C on transcript NM_017411.4 (MANE Select); coding-DNA position 840, T replaced by C.
Protein change: p.Phe280=; no amino-acid change (phenylalanine 280 retained).
Molecular consequence: synonymous variant. On other transcripts: intron variant (2).
Genome position (GRCh38, 1-based): chr5:70,076,526, T>C. VCF-style: chr5-70076526-T-C. GRCh37 (hg19) VCF-style: chr5-69372353-T-C.
Other names: c.744T>C, p.Phe248= (NM_022876.2); c.739-493T>C (NM_022877.2); c.835-493T>C (NM_022875.3).
Identifiers: ClinVar variation 3388533 (VCV003388533.15).